The following is an entry in ClinVar:

NM_000545.8(HNF1A):c.30G>A (p.Thr10=)

Gene: HNF1A (HNF1 homeobox A; plus strand). Cytogenetic location: 12q24.31.
Variant type: single nucleotide variant.
Coding change: c.30G>A on transcript NM_000545.8 (MANE Select); coding-DNA position 30, G replaced by A.
Protein change: p.Thr10=; no amino-acid change (threonine 10 retained).
Molecular consequence: synonymous variant.
Genome position (GRCh38, 1-based): chr12:120,978,798, G>A. VCF-style: chr12-120978798-G-A. GRCh37 (hg19) VCF-style: chr12-121416601-G-A.
Other names: NM_000545.8(HNF1A):c.30G>A; p.Thr10=; c.30G>A, p.Thr10= (NM_001306179.2).
Identifiers: ClinVar variation 307455 (VCV000307455.22), dbSNP rs746020457, ClinGen allele CA10641190.

ClinVar aggregate classification (germline): Likely benign. Review status: reviewed by expert panel (3 of 4 stars). 5 submissions from 5 submitters: Likely benign (1). 4 of the submissions do not count toward it. Last evaluated 2025-08-29.

Conditions:
Maturity-onset diabetes of the young type 3. Also called: MODY, type III; MODY type 3. Identifiers: Orphanet 552, MedGen C1838100, MeSH C563933, MONDO:0010894, OMIM 600496. Disease mechanism: loss of function.
Monogenic diabetes. Identifiers: Orphanet 183625, MedGen C3888631, MONDO:0015967.
Maturity-onset diabetes of the young (MODY). Also called: Maturity onset diabetes mellitus in young. Identifiers: Orphanet 552, MedGen C0342276, MONDO:0018911, HP:0004904.

Allele frequency attached by ClinVar (database versions not stated): gnomAD 0.00003; TOPMed 0.00003.
gnomAD v4.1: 98 of 1,612,978 alleles (0.0061%); highest among the groups gnomAD compares: Non-Finnish European, 0.0076%; no homozygotes.

Submissions (5):

ClinGen Monogenic Diabetes Variant Curation Expert Panel
Classification: Likely benign for Monogenic diabetes. Last evaluated: 2025-08-29. Review status: reviewed by expert panel. Criteria: ClinGen Diabetes ACMG Specifications HNF1A V3.0.0. Collection method: curation. Allele origin: germline. Inheritance: Autosomal dominant inheritance.
Comment: The c.30G>A variant in the HNF1 homeobox A gene, HNF1A, is a synonymous (silent) variant at codon 10 (p.Thr10=) of NM_000545.8. This variant has a Grpmax Filtering allele frequency in gnomAD v4.1.0 of 0.00006311, which is greater than the ClinGen MDEP threshold for BS1 (0.000033) (BS1). This variant is not predicted by SpliceAI to impact splicing (SpliceAI score of 0, which is less than the MDEP cutoff of 0.2) (BP4). This synonymous variant is not predicted by SpliceAI to impact splicing, but it is conserved with phyloP100way = 2.835 > 2; therefore, BP7 does not apply. In summary, c.30G>A meets the criteria to be classified as likely benign for monogenic diabetes. ACMG/AMP criteria applied, as specified by the ClinGen MDEP (specification version 3.0.0, approved 6/30/2025): BS1, BP4.

CeGaT Center for Human Genetics Tuebingen
Classification: Likely benign. Last evaluated: 2025-08-01. Review status: criteria provided, single submitter. Criteria: CeGaT Center For Human Genetics Tuebingen Variant Classification Criteria Version 2. Collection method: clinical testing. Allele origin: germline. Affected: yes. Observed: 1 variant allele. Not counted in ClinVar's aggregate classification.
Comment: HNF1A: BP4, BP7

Labcorp Genetics (formerly Invitae), Labcorp
Classification: Likely benign. Last evaluated: 2025-01-20. Review status: criteria provided, single submitter. Criteria: Invitae Variant Classification Sherloc (09022015). Collection method: clinical testing. Allele origin: germline. Not counted in ClinVar's aggregate classification.

Ambry Genetics
Classification: Likely benign for Maturity-onset diabetes of the young. Last evaluated: 2019-10-23. Review status: criteria provided, single submitter. Criteria: Ambry Variant Classification Scheme 2023. Collection method: clinical testing. Allele origin: germline. Not counted in ClinVar's aggregate classification.

Illumina Laboratory Services, Illumina
Classification: Uncertain significance for Maturity-onset diabetes of the young type 3. Last evaluated: 2018-01-13. Review status: criteria provided, single submitter. Criteria: ICSL Variant Classification Criteria 13 December 2019. Collection method: clinical testing. Allele origin: germline. Not counted in ClinVar's aggregate classification.